The following is an entry in ClinVar:

ClinVar aggregate classification (germline): Likely benign (1 of 4 stars; one submission).

Conditions:
Charcot-Marie-Tooth disease type 4H (CMT4H). Also called: CHARCOT-MARIE-TOOTH DISEASE, DEMYELINATING, TYPE 4H; CHARCOT-MARIE-TOOTH NEUROPATHY, TYPE 4H; CHARCOT-MARIE-TOOTH DISEASE, AUTOSOMAL RECESSIVE, TYPE 4H; CHARCOT-MARIE-TOOTH DISEASE, DEMYELINATING, AUTOSOMAL RECESSIVE, TYPE 4H. Identifiers: Orphanet 99954, MedGen C1836336, MONDO:0012250, OMIM 609311.

Allele frequency attached by ClinVar (database versions not stated): gnomAD 0.00167 and 0.00176; TOPMed 0.00188; 1000 Genomes Project 0.00220; 1000 Genomes Project 30x 0.00250.
gnomAD v4.1: 401 of 924,366 alleles (0.043%); highest among the groups gnomAD compares: African/African-American, 0.61%; 1 homozygote.

Submission:

Illumina Laboratory Services, Illumina
Classification: Likely benign for Charcot-Marie-Tooth disease type 4H. Last evaluated: 2018-01-12. Review status: criteria provided, single submitter. Criteria: ICSL Variant Classification Criteria 13 December 2019. Collection method: clinical testing. Allele origin: germline.
Comment: This variant was observed in the ICSL laboratory as part of a predisposition screen in an ostensibly healthy population. It had not been previously curated by ICSL or reported in the Human Gene Mutation Database (HGMD: prior to June 1st, 2018), and was therefore a candidate for classification through an automated scoring system. Utilizing variant allele frequency, disease prevalence and penetrance estimates, and inheritance mode, an automated score was calculated to assess if this variant is too frequent to cause the disease. Based on the score and internal cut-off values, a variant classified as likely benign is not then subjected to further curation. The score for this variant resulted in a classification of likely benign for this disease.

NM_001370298.3(FGD4):c.*167G>A

Gene: FGD4 (FYVE, RhoGEF and PH domain containing 4; plus strand). Cytogenetic location: 12p11.21.
Variant type: single nucleotide variant.
Coding change: c.*167G>A on transcript NM_001370298.3 (MANE Select); 167 bases downstream of the stop codon, G replaced by A.
Molecular consequence: 3 prime UTR variant. On other transcripts: intron variant (3).
Genome position (GRCh38, 1-based): chr12:32,640,700, G>A. VCF-style: chr12-32640700-G-A. GRCh37 (hg19) VCF-style: chr12-32793634-G-A.
Other names: c.2221+247G>A (NM_001384128.1, NM_001384127.1); c.*167G>A (NM_001304481.2, NM_001304484.2, NM_001330373.2 and 5 more transcripts); c.2632+247G>A (NM_001384126.1).
Identifiers: ClinVar variation 881395 (VCV000881395.4), dbSNP rs138847108, ClinGen allele CA235248196.